The following is an entry in ClinVar:

ClinVar aggregate classification (germline): Uncertain significance (1 of 4 stars; one submission).

Allele frequency attached by ClinVar (database versions not stated): gnomAD 0.00001; TOPMed 0.00001.
gnomAD v4.1: 10 of 1,609,874 alleles (0.00062%); highest among the groups gnomAD compares: Non-Finnish European, 0.00085%; no homozygotes.

Submission:

Labcorp Genetics (formerly Invitae), Labcorp
Classification: Uncertain significance. Last evaluated: 2025-12-01. Review status: criteria provided, single submitter. Criteria: Invitae Variant Classification Sherloc (09022015). Collection method: clinical testing. Allele origin: germline.
Comment: This sequence change replaces glutamic acid, which is acidic and polar, with valine, which is neutral and non-polar, at codon 18 of the PLTP protein (p.Glu18Val). This variant is not present in population databases (gnomAD no frequency). This variant has not been reported in the literature in individuals affected with PLTP-related conditions. ClinVar contains an entry for this variant (Variation ID: 3021604). An algorithm developed to predict the effect of missense changes on protein structure and function (PolyPhen-2) suggests that this variant is likely to be disruptive. In summary, the available evidence is currently insufficient to determine the role of this variant in disease. Therefore, it has been classified as a Variant of Uncertain Significance.

NM_006227.4(PLTP):c.53A>T (p.Glu18Val)

Gene: PLTP (phospholipid transfer protein; minus strand). Cytogenetic location: 20q13.12.
Variant type: single nucleotide variant.
Coding change: c.53A>T on transcript NM_006227.4 (MANE Select); coding-DNA position 53, A replaced by T.
Protein change: p.Glu18Val; replaces glutamic acid 18 with valine.
Molecular consequence: missense variant.
Genome position (GRCh38, 1-based): chr20:45,911,400, T>A on the plus strand (A>T on the coding strand, the complement: PLTP is on the minus strand). VCF-style: chr20-45911400-T-A. GRCh37 (hg19) VCF-style: chr20-44540039-T-A.
Other names: c.53A>T, p.Glu18Val (NM_001242920.2, NM_182676.3); short protein forms E18V.
Identifiers: ClinVar variation 3021604 (VCV003021604.3), dbSNP rs11544245, ClinGen allele CA315614622.
Genomic context (GRCh38, chr20:45,911,400, plus strand): 5'-CCCTGCGCCTTACCCAGCTCCAGCGCCTTGGAGGTGACGCGGATCTTGCAGCCTGGGAAC[T>A]CTGCATGTGCGCCTGCCAGCAGCGCTAGGAAGAGGGCCCCGAAGAGGGCCATGGCGAGCG-3'
Protein context (NP_006218.1, residues 8-28): FLALLAGAHA[Glu18Val]FPGCKIRVTS